The following is an entry in ClinVar:

NM_018406.7(MUC4):c.10872A>G (p.Ser3624=)

Gene: MUC4 (mucin 4, cell surface associated). Cytogenetic location: 3q29.
Variant type: single nucleotide variant.
Coding change: c.10872A>G on transcript NM_018406.7 (MANE Select); coding-DNA position 10872, A replaced by G.
Protein change: p.Ser3624=; no amino-acid change (serine 3624 retained).
Molecular consequence: synonymous variant. On other transcripts: intron variant (2).
Genome position (GRCh38, 1-based): chr3:195,780,708, T>C on the plus strand (A>G on the coding strand, the complement: MUC4 is on the minus strand). VCF-style: chr3-195780708-T-C. GRCh37 (hg19) VCF-style: chr3-195507579-T-C.
Other names: c.83-6403A>G (NM_138297.5); c.83-2253A>G (NM_004532.6).
Identifiers: ClinVar variation 3388423 (VCV003388423.14).

ClinVar aggregate classification (germline): Likely benign (1 of 4 stars; one submission).

Submission:

CeGaT Center for Human Genetics Tuebingen
Classification: Likely benign. Last evaluated: 2025-10-01. Review status: criteria provided, single submitter. Criteria: CeGaT Center For Human Genetics Tuebingen Variant Classification Criteria Version 2. Collection method: clinical testing. Allele origin: germline. Affected: yes. Observed: 2 variant alleles.
Comment: MUC4: BP4, BP7